The following is an entry in ClinVar:

NM_000135.4(FANCA):c.799G>A (p.Val267Ile)

Gene: FANCA (FA complementation group A; minus strand). Cytogenetic location: 16q24.3.
Variant type: single nucleotide variant.
Coding change: c.799G>A on transcript NM_000135.4 (MANE Select); coding-DNA position 799, G replaced by A.
Protein change: p.Val267Ile; replaces valine 267 with isoleucine.
Molecular consequence: missense variant.
Genome position (GRCh38, 1-based): chr16:89,799,632, C>T on the plus strand (G>A on the coding strand, the complement: FANCA is on the minus strand). VCF-style: chr16-89799632-C-T. GRCh37 (hg19) VCF-style: chr16-89866040-C-T.
Other names: c.799G>A, p.Val267Ile (NM_001018112.3, NM_001286167.3); c.703G>A, p.Val235Ile (NM_001351830.2); short protein forms V235I, V267I.
Identifiers: ClinVar variation 5036371 (VCV005036371.1).

ClinVar aggregate classification (germline): Uncertain significance (1 of 4 stars; one submission).

Conditions:
Inborn genetic diseases. Identifiers: MedGen C0950123, MeSH D030342.

Submission:

Ambry Genetics
Classification: Uncertain significance for Inborn genetic diseases. Last evaluated: 2026-07-25. Review status: criteria provided, single submitter. Criteria: Ambry Variant Classification Scheme 2023. Collection method: clinical testing. Allele origin: germline.
Comment: The p.V267I variant (also known as c.799G>A), located in coding exon 9 of the FANCA gene, results from a G to A substitution at nucleotide position 799. The valine at codon 267 is replaced by isoleucine, an amino acid with highly similar properties. This amino acid position is conserved. In addition, this alteration is predicted to be tolerated by in silico analysis. Based on the available evidence, the clinical significance of this variant remains unclear.